The following is an entry in ClinVar:

ClinVar aggregate classification (germline): Likely benign. Review status: criteria provided, multiple submitters, no conflicts (2 of 4 stars). 4 submissions from 4 submitters: Likely benign (4). Last evaluated 2023-05-01.

Conditions:
Xeroderma pigmentosum, group D (XPD). Also called: XERODERMA PIGMENTOSUM, COMPLEMENTATION GROUP D; XERODERMA PIGMENTOSUM IV; XP, GROUP D; XP, GROUP H; ERCC2-Related Xeroderma Pigmentosum. Identifiers: MedGen C0268138, MONDO:0010212, OMIM 278730.
Trichothiodystrophy 1, photosensitive (TTD1). Also called: PIBIDS SYNDROME; TAY SYNDROME; TRICHOTHIODYSTROPHY WITH CONGENITAL ICHTHYOSIS. Identifiers: Orphanet 33364, MedGen C1866504, MONDO:0011125, OMIM 601675.
Cerebrooculofacioskeletal syndrome 2 (COFS2). Identifiers: MedGen C1853102, MONDO:0012553, OMIM 610756.

Allele frequency attached by ClinVar (database versions not stated): 1000 Genomes Project 0.00260; 1000 Genomes Project 30x 0.00265; gnomAD 0.00388; TOPMed 0.00450; gnomAD exomes 0.00536.
gnomAD v4.1: 8,270 of 1,582,124 alleles (0.52%); highest among the groups gnomAD compares: Non-Finnish European, 0.61%; 26 homozygotes.

Submissions (4):

CeGaT Center for Human Genetics Tuebingen
Classification: Likely benign. Last evaluated: 2023-05-01. Review status: criteria provided, single submitter. Criteria: CeGaT Center For Human Genetics Tuebingen Variant Classification Criteria Version 2. Collection method: clinical testing. Allele origin: germline. Affected: yes. Observed: 11 variant alleles.
Comment: ERCC2: BS2; KLC3: BS2

Fulgent Genetics
Classification: Likely benign for Xeroderma pigmentosum, group D; Trichothiodystrophy 1, photosensitive; Cerebrooculofacioskeletal syndrome 2. Last evaluated: 2022-02-07. Review status: criteria provided, single submitter. Criteria: ACMG Guidelines, 2015. Collection method: clinical testing. Allele origin: unknown.

Illumina Laboratory Services, Illumina
Classification: Likely benign for Xeroderma pigmentosum, group D. Last evaluated: 2018-01-13. Review status: criteria provided, single submitter. Criteria: ICSL Variant Classification Criteria 13 December 2019. Collection method: clinical testing. Allele origin: germline.
Comment: This variant was observed in the ICSL laboratory as part of a predisposition screen in an ostensibly healthy population. It had not been previously curated by ICSL or reported in the Human Gene Mutation Database (HGMD: prior to June 1st, 2018), and was therefore a candidate for classification through an automated scoring system. Utilizing variant allele frequency, disease prevalence and penetrance estimates, and inheritance mode, an automated score was calculated to assess if this variant is too frequent to cause the disease. Based on the score and internal cut-off values, a variant classified as likely benign is not then subjected to further curation. The score for this variant resulted in a classification of likely benign for this disease.

Breakthrough Genomics
Classification: Likely benign. Review status: criteria provided, single submitter. Criteria: ACMG Guidelines, 2015. Collection method: not provided. Allele origin: germline. Inheritance: Autosomal recessive inheritance. Affected: yes.

NM_177417.3(KLC3):c.*100C>T

Genes: KLC3 (kinesin light chain 3; plus strand), ERCC2 (ERCC excision repair 2, TFIIH core complex helicase subunit; minus strand). Cytogenetic location: 19q13.32.
Variant type: single nucleotide variant.
Coding change: c.*100C>T on transcript NM_177417.3 (MANE Select); 100 bases downstream of the stop codon, C replaced by T.
Molecular consequence: 3 prime UTR variant.
Genome position (GRCh38, 1-based): chr19:45,351,457, C>T. VCF-style: chr19-45351457-C-T. GRCh37 (hg19) VCF-style: chr19-45854715-C-T.
Other names: c.*172G>A (NM_000400.4).
Identifiers: ClinVar variation 329496 (VCV000329496.31), dbSNP rs142103003, ClinGen allele CA10648816.